The following is an entry in ClinVar:

NM_007262.5(PARK7):c.234C>T (p.Gly78=)

Gene: PARK7 (Parkinsonism associated deglycase; plus strand). Cytogenetic location: 1p36.23.
Variant type: single nucleotide variant.
Coding change: c.234C>T on transcript NM_007262.5 (MANE Select); coding-DNA position 234, C replaced by T.
Protein change: p.Gly78=; no amino-acid change (glycine 78 retained).
Molecular consequence: synonymous variant.
Genome position (GRCh38, 1-based): chr1:7,969,386, C>T. VCF-style: chr1-7969386-C-T. GRCh37 (hg19) VCF-style: chr1-8029446-C-T.
Other names: c.234C>T, p.Gly78= (NM_001123377.2).
Identifiers: ClinVar variation 298121 (VCV000298121.22), dbSNP rs11548937, ClinGen allele CA569488.

ClinVar aggregate classification (germline): Benign/Likely benign. Review status: criteria provided, multiple submitters, no conflicts (2 of 4 stars). 7 submissions from 7 submitters: Benign (3); Likely benign (1). 3 of the submissions do not count toward it. Last evaluated 2026-01-28.

Conditions:
Autosomal recessive early-onset Parkinson disease 7. Identifiers: Orphanet 2828, MedGen C1853445, MONDO:0011658, OMIM 606324.

Allele frequency attached by ClinVar (database versions not stated): TOPMed 0.03690; gnomAD exomes 0.00854; ExAC 0.01082; 1000 Genomes Project 0.03215; gnomAD 0.03255 and 0.03501; 1000 Genomes Project 30x 0.03326; ESP Exome Variant Server 0.03614.
gnomAD v4.1: 10,070 of 1,610,106 alleles (0.63%); highest among the groups gnomAD compares: African/African-American, 11%; 513 homozygotes.

Submissions (7):

Labcorp Genetics (formerly Invitae), Labcorp
Classification: Benign for Autosomal recessive early-onset Parkinson disease 7. Last evaluated: 2026-01-28. Review status: criteria provided, single submitter. Criteria: Invitae Variant Classification Sherloc (09022015). Collection method: clinical testing. Allele origin: germline.

GeneDx
Classification: Benign. Last evaluated: 2018-09-30. Review status: criteria provided, single submitter. Criteria: GeneDx Variant Classification Process June 2021. Collection method: clinical testing. Allele origin: germline. Affected: yes.
Comment: This variant is associated with the following publications: (PMID: 27884173, 12953260, 20981092)

Athena Diagnostics
Classification: Benign. Last evaluated: 2018-06-18. Review status: criteria provided, single submitter. Criteria: Athena Diagnostics Criteria. Collection method: clinical testing. Allele origin: germline.

Breakthrough Genomics
Classification: Likely benign. Review status: criteria provided, single submitter. Criteria: ACMG Guidelines, 2015. Collection method: not provided. Allele origin: germline. Inheritance: Autosomal recessive inheritance. Affected: yes.

Clinical Genetics DNA and cytogenetics Diagnostics Lab, Erasmus MC, Erasmus Medical Center
Classification: Benign. Review status: no assertion criteria provided. Collection method: clinical testing. Allele origin: germline. Affected: yes. Study: VKGL Data-share Consensus. Not counted in ClinVar's aggregate classification.

Diagnostic Laboratory, Department of Genetics, University Medical Center Groningen
Classification: Benign. Review status: no assertion criteria provided. Collection method: clinical testing. Allele origin: germline. Affected: yes. Study: VKGL Data-share Consensus. Not counted in ClinVar's aggregate classification.

Genome Diagnostics Laboratory, Amsterdam University Medical Center
Classification: Benign. Review status: no assertion criteria provided. Collection method: clinical testing. Allele origin: germline. Affected: yes. Study: VKGL Data-share Consensus. Not counted in ClinVar's aggregate classification.

Literature cited by the submitters: PubMed 12953260 (cited by Athena Diagnostics); PubMed 20981092 (cited by Athena Diagnostics); PubMed 27884173 (cited by Athena Diagnostics).